The following is an entry in ClinVar:

ClinVar aggregate classification (germline): Pathogenic (1 of 4 stars; one submission).

Conditions:
Mitochondrial complex II deficiency, nuclear type 1. Also called: SUCCINATE CoQ REDUCTASE DEFICIENCY. Identifiers: Orphanet 3208, MedGen C5700310, MONDO:0100294, OMIM 252011.
Pheochromocytoma/paraganglioma syndrome 5. Also called: Paragangliomas 5; SDHA-Related Hereditary Paraganglioma-Pheochromocytoma Syndrome. Identifiers: Orphanet 29072, MedGen C3279992, MONDO:0013602, OMIM 614165.

Submission:

Labcorp Genetics (formerly Invitae), Labcorp
Classification: Pathogenic for Pheochromocytoma/paraganglioma syndrome 5; Mitochondrial complex II deficiency, nuclear type 1. Last evaluated: 2022-08-22. Review status: criteria provided, single submitter. Criteria: Invitae Variant Classification Sherloc (09022015). Collection method: clinical testing. Allele origin: germline.
Comment: For these reasons, this variant has been classified as Pathogenic. ClinVar contains an entry for this variant (Variation ID: 1425164). This variant has not been reported in the literature in individuals affected with SDHA-related conditions. This variant is not present in population databases (gnomAD no frequency). This sequence change creates a premature translational stop signal (p.Gln520*) in the SDHA gene. It is expected to result in an absent or disrupted protein product. Loss-of-function variants in SDHA are known to be pathogenic (PMID: 22974104, 24781757).

Literature cited by the submitters: PubMed 22974104; PubMed 24781757.

NM_004168.4(SDHA):c.1558C>T (p.Gln520Ter)

Gene: SDHA (succinate dehydrogenase complex flavoprotein subunit A; plus strand). Cytogenetic location: 5p15.33.
Variant type: single nucleotide variant.
Coding change: c.1558C>T on transcript NM_004168.4 (MANE Select); coding-DNA position 1558, C replaced by T.
Protein change: p.Gln520Ter; replaces glutamine 520 with a stop codon.
Molecular consequence: nonsense. On other transcripts: intron variant (1).
Genome position (GRCh38, 1-based): chr5:250,998, C>T. VCF-style: chr5-250998-C-T. GRCh37 (hg19) VCF-style: chr5-251113-C-T.
Other names: c.1414C>T, p.Gln472Ter (NM_001294332.2); c.1552-3395C>T (NM_001330758.2); short protein forms Q472*, Q520*.
Identifiers: ClinVar variation 1425164 (VCV001425164.6), dbSNP rs2126631964, ClinGen allele CA358998419.